The following is an entry in ClinVar:

ClinVar aggregate classification (germline): Benign/Likely benign. Review status: criteria provided, multiple submitters, no conflicts (2 of 4 stars). 11 submissions from 11 submitters: Benign (2); Likely benign (9). Last evaluated 2026-08-01.

Conditions:
Inborn genetic diseases. Identifiers: MedGen C0950123, MeSH D030342.
LRSAM1-related disorder. Also called: LRSAM1-related condition.
Charcot-Marie-Tooth disease axonal type 2P. Also called: CHARCOT-MARIE-TOOTH DISEASE, AXONAL, TYPE 2G; CMT 2G; CHARCOT-MARIE-TOOTH NEUROPATHY, TYPE 2P; Charcot-Marie-Tooth Neuropathy Type 2G. Identifiers: Orphanet 300319, Orphanet 99941, MedGen C3280797, MONDO:0013753, OMIM 614436.
Charcot-Marie-Tooth disease. Also called: Charcot-Marie-Tooth Hereditary Neuropathy; Charcot-Marie-Tooth Neuropathy. Identifiers: Orphanet 166, MedGen C0007959, MONDO:0015626.

Allele frequency attached by ClinVar (database versions not stated): gnomAD exomes 0.00049 and 0.00087; TOPMed 0.00059; ExAC 0.00061; gnomAD 0.00063 and 0.00065; ESP Exome Variant Server 0.00108.
gnomAD v4.1: 1,385 of 1,614,018 alleles (0.086%); highest among the groups gnomAD compares: Non-Finnish European, 0.11%; 2 homozygotes.

Submissions (11):

CeGaT Center for Human Genetics Tuebingen
Classification: Likely benign. Last evaluated: 2026-08-01. Review status: criteria provided, single submitter. Criteria: CeGaT Center For Human Genetics Tuebingen Variant Classification Criteria Version 2. Collection method: clinical testing. Allele origin: germline. Affected: yes. Observed: 4 variant alleles.
Comment: LRSAM1: BP4, BP7

Labcorp Genetics (formerly Invitae), Labcorp
Classification: Benign for Charcot-Marie-Tooth disease axonal type 2P. Last evaluated: 2026-02-01. Review status: criteria provided, single submitter. Criteria: Invitae Variant Classification Sherloc (09022015). Collection method: clinical testing. Allele origin: germline.

Women's Health and Genetics/Laboratory Corporation of America, LabCorp
Classification: Likely benign. Last evaluated: 2025-06-02. Review status: criteria provided, single submitter. Criteria: LabCorp Variant Classification Summary - May 2015. Collection method: clinical testing. Allele origin: germline.

PreventionGenetics, part of Exact Sciences
Classification: Likely benign for LRSAM1-related condition. Last evaluated: 2025-05-22. Review status: criteria provided, single submitter. Criteria: ACMG Guidelines, 2015. Collection method: clinical testing. Allele origin: germline.
Comment: This variant is classified as likely benign based on ACMG/AMP sequence variant interpretation guidelines (Richards et al. 2015 PMID: 25741868, with internal and published modifications).

Blueprint Genetics
Classification: Likely benign. Last evaluated: 2024-11-11. Review status: criteria provided, single submitter. Criteria: ACMG Guidelines, 2015. Collection method: clinical testing. Allele origin: germline.

GeneDx
Classification: Likely benign. Last evaluated: 2021-05-12. Review status: criteria provided, single submitter. Criteria: GeneDx Variant Classification Process June 2021. Collection method: clinical testing. Allele origin: germline. Affected: yes.

ARUP Laboratories, Molecular Genetics and Genomics, ARUP Laboratories
Classification: Benign for Charcot-Marie-Tooth disease axonal type 2P. Last evaluated: 2019-12-18. Review status: criteria provided, single submitter. Criteria: ARUP Molecular Germline Variant Investigation Process. Collection method: clinical testing. Allele origin: germline.

Ambry Genetics
Classification: Likely benign for Inborn genetic diseases. Last evaluated: 2019-07-11. Review status: criteria provided, single submitter. Criteria: Ambry Variant Classification Scheme 2023. Collection method: clinical testing. Allele origin: germline.

Illumina Laboratory Services, Illumina
Classification: Likely benign for Charcot-Marie-Tooth disease axonal type 2P. Last evaluated: 2018-01-13. Review status: criteria provided, single submitter. Criteria: ICSL Variant Classification Criteria 13 December 2019. Collection method: clinical testing. Allele origin: germline.
Comment: This variant was observed in the ICSL laboratory as part of a predisposition screen in an ostensibly healthy population. It had not been previously curated by ICSL or reported in the Human Gene Mutation Database (HGMD: prior to June 1st, 2018), and was therefore a candidate for classification through an automated scoring system. Utilizing variant allele frequency, disease prevalence and penetrance estimates, and inheritance mode, an automated score was calculated to assess if this variant is too frequent to cause the disease. Based on the score and internal cut-off values, a variant classified as likely benign is not then subjected to further curation. The score for this variant resulted in a classification of likely benign for this disease.

Breakthrough Genomics
Classification: Likely benign. Review status: criteria provided, single submitter. Criteria: ACMG Guidelines, 2015. Collection method: not provided. Allele origin: germline. Inheritance: Autosomal dominant inheritance. Affected: yes.

Molecular Genetics Laboratory, London Health Sciences Centre
Classification: Likely benign for Charcot-Marie-Tooth disease. Review status: criteria provided, single submitter. Criteria: ACMG Guidelines, 2015. Collection method: clinical testing. Allele origin: germline. Affected: yes.

NM_001005373.4(LRSAM1):c.1974T>C (p.Ser658=)

Gene: LRSAM1 (leucine rich repeat and sterile alpha motif containing 1; plus strand). Cytogenetic location: 9q34.11.
Variant type: single nucleotide variant.
Coding change: c.1974T>C on transcript NM_001005373.4 (MANE Select); coding-DNA position 1974, T replaced by C.
Protein change: p.Ser658=; no amino-acid change (serine 658 retained).
Molecular consequence: synonymous variant. On other transcripts: non-coding transcript variant (2).
Genome position (GRCh38, 1-based): chr9:127,501,071, T>C. VCF-style: chr9-127501071-T-C. GRCh37 (hg19) VCF-style: chr9-130263350-T-C.
Other names: c.1974T>C, p.Ser658= (NM_001005374.4, NM_001384142.1, NM_138361.5); c.1893T>C, p.Ser631= (NM_001190723.3); c.1875T>C, p.Ser625= (NM_001384143.1); c.1185T>C, p.Ser395= (NM_001384144.1); c.1974T>C (NM_138361.4).
Identifiers: ClinVar variation 387878 (VCV000387878.54), dbSNP rs140336379, ClinGen allele CA5247216.